The following is an entry in ClinVar:

ClinVar aggregate classification (germline): Uncertain significance (1 of 4 stars; one submission).

Conditions:
Kabuki syndrome. Also called: NIIKAWA-KUROKI SYNDROME; Kabuki make-up syndrome. Identifiers: Orphanet 2322, MedGen C0796004, MONDO:0016512.

Submission:

Labcorp Genetics (formerly Invitae), Labcorp
Classification: Uncertain significance for Kabuki syndrome. Last evaluated: 2025-10-14. Review status: criteria provided, single submitter. Criteria: Invitae Variant Classification Sherloc (09022015). Collection method: clinical testing. Allele origin: germline.
Comment: This variant, c.11753_11758dup, results in the insertion of 2 amino acid(s) of the KMT2D protein (p.Gln3918_Gln3919dup), but otherwise preserves the integrity of the reading frame. The frequency data for this variant in the population databases is considered unreliable, as metrics indicate poor data quality at this position in the gnomAD database. This variant has not been reported in the literature in individuals affected with KMT2D-related conditions. In summary, the available evidence is currently insufficient to determine the role of this variant in disease. Therefore, it has been classified as a Variant of Uncertain Significance.

NM_003482.4(KMT2D):c.11738AGC[9] (p.Gln3919_Leu3920insGlnGln)

Gene: KMT2D (lysine methyltransferase 2D; minus strand). Cytogenetic location: 12q13.12.
Variant type: Microsatellite.
Coding change: c.11738AGC[9] on transcript NM_003482.4 (MANE Select); nine copies in a row of the 3-base unit AGC starting at c.11738; the reference has seven copies in a row; two copies, 6 bases duplicated.
Protein change: p.Gln3919_Leu3920insGlnGln.
Molecular consequence: inframe insertion.
Genome position (GRCh38, 1-based): chr12:49,032,947-49,032,952, GCTGCT duplicated on the plus strand (AGCAGC on the coding strand, the reverse complement: KMT2D is on the minus strand); duplicating any 6 consecutive bases within chr12:49,032,947-49,032,968 gives the same sequence; the position shown is the placement nearest the transcript's 3' end. VCF-style (leftmost placement, unchanged base first): chr12-49032946-A-AGCTGCT. GRCh37 (hg19) VCF-style: chr12-49426729-A-AGCTGCT.
Identifiers: ClinVar variation 2728657 (VCV002728657.3), dbSNP rs576788910, ClinGen allele CA605233622.